The following is an entry in ClinVar:

NM_000350.3(ABCA4):c.2353C>T (p.Arg785Cys)

Gene: ABCA4 (ATP binding cassette subfamily A member 4; minus strand). Cytogenetic location: 1p22.1.
Variant type: single nucleotide variant.
Coding change: c.2353C>T on transcript NM_000350.3 (MANE Select); coding-DNA position 2353, C replaced by T.
Protein change: p.Arg785Cys; replaces arginine 785 with cysteine.
Molecular consequence: missense variant.
Genome position (GRCh38, 1-based): chr1:94,056,630, G>A on the plus strand (C>T on the coding strand, the complement: ABCA4 is on the minus strand). VCF-style: chr1-94056630-G-A. GRCh37 (hg19) VCF-style: chr1-94522186-G-A.
Other names: short protein forms R785C.
Identifiers: ClinVar variation 265013 (VCV000265013.7), dbSNP rs781254854, ClinGen allele CA958297.

ClinVar aggregate classification (germline): Uncertain significance. Review status: criteria provided, multiple submitters, no conflicts (2 of 4 stars). 3 submissions from 3 submitters: Uncertain significance (3). Last evaluated 2025-01-16.

gnomAD v4.1: 17 of 1,613,452 alleles (0.0011%); highest among the groups gnomAD compares: East Asian, 0.0045%; no homozygotes.

Submissions (3):

Women's Health and Genetics/Laboratory Corporation of America, LabCorp
Classification: Uncertain significance. Last evaluated: 2025-01-16. Review status: criteria provided, single submitter. Criteria: LabCorp Variant Classification Summary - May 2015. Collection method: clinical testing. Allele origin: germline.
Comment: Variant summary: ABCA4 c.2353C>T (p.Arg785Cys) results in a non-conservative amino acid change in the encoded protein sequence. Four of five in-silico tools predict a damaging effect of the variant on protein function. The variant allele was found at a frequency of 2e-05 in 251038 control chromosomes. The available data on variant occurrences in the general population are insufficient to allow any conclusion about variant significance. c.2353C>T has been reported in the literature in individuals affected with Retinitis Pigmentosa, however, one carried a homozygous pathogenic variant in a different retinitis pigmentosa-related gene and one carried two other VUS (one in cis and one in trans) in ABCA4 (Eisenberger_2013, Paneman_2023) . These report(s) do not provide unequivocal conclusions about association of the variant with Retinitis Pigmentosa. To our knowledge, no experimental evidence demonstrating an impact on protein function has been reported. The following publications have been ascertained in the context of this evaluation (PMID: 24265693, 36819107). ClinVar contains an entry for this variant (Variation ID: 265013). Based on the evidence outlined above, the variant was classified as uncertain significance.

Labcorp Genetics (formerly Invitae), Labcorp
Classification: Uncertain significance. Last evaluated: 2022-09-27. Review status: criteria provided, single submitter. Criteria: Invitae Variant Classification Sherloc (09022015). Collection method: clinical testing. Allele origin: germline.
Comment: This sequence change replaces arginine, which is basic and polar, with cysteine, which is neutral and slightly polar, at codon 785 of the ABCA4 protein (p.Arg785Cys). This variant is present in population databases (rs781254854, gnomAD 0.007%). This missense change has been observed in individual(s) with retinitis pigmentosa (PMID: 24265693). ClinVar contains an entry for this variant (Variation ID: 265013). Advanced modeling of protein sequence and biophysical properties (such as structural, functional, and spatial information, amino acid conservation, physicochemical variation, residue mobility, and thermodynamic stability) performed at Invitae indicates that this missense variant is expected to disrupt ABCA4 protein function. In summary, the available evidence is currently insufficient to determine the role of this variant in disease. Therefore, it has been classified as a Variant of Uncertain Significance.

GeneDx
Classification: Uncertain significance. Last evaluated: 2015-12-30. Review status: criteria provided, single submitter. Criteria: GeneDx Variant Classification (06012015). Collection method: clinical testing. Allele origin: germline. Affected: yes.
Comment: The R785C variant has been reported previously in a patient reported to be homozygous for a pathogenic variant in the TULP1 gene (Eisenberger et al., 2013). The R785C variant was not observed in approximately 6,500 individuals of European and African American ancestry in the NHLBI Exome Sequencing Project, indicating it is not a common benign variant in these populations. The R785C variant is a non-conservative amino acid substitution, which is likely to impact secondary protein structure as these residues differ in polarity, charge, size and/or other properties. This substitution occurs at a position that is not conserved. In silico analysis predicts this variant is probably damaging to the protein structure/function. Therefore, based on the currently available information, it is unclear whether this variant is a pathogenic variant or a rare benign variant.

Literature cited by the submitters: PubMed 24265693 (cited by Women's Health and Genetics/Laboratory Corporation of America, LabCorp and Labcorp Genetics (formerly Invitae), Labcorp); PubMed 36819107 (cited by Women's Health and Genetics/Laboratory Corporation of America, LabCorp).